The following is an entry in ClinVar:

ClinVar aggregate classification (germline): Uncertain significance (1 of 4 stars; one submission).

Conditions:
Hereditary nonpolyposis colorectal neoplasms. Identifiers: MedGen C0009405, MeSH D003123.

Submission:

Labcorp Genetics (formerly Invitae), Labcorp
Classification: Uncertain significance for Hereditary nonpolyposis colorectal neoplasms. Last evaluated: 2025-03-05. Review status: criteria provided, single submitter. Criteria: Invitae Variant Classification Sherloc (09022015). Collection method: clinical testing. Allele origin: germline.
Comment: This sequence change replaces leucine, which is neutral and non-polar, with methionine, which is neutral and non-polar, at codon 257 of the PMS2 protein (p.Leu257Met). This variant is not present in population databases (gnomAD no frequency). This variant has not been reported in the literature in individuals affected with PMS2-related conditions. Invitae Evidence Modeling of protein sequence and biophysical properties (such as structural, functional, and spatial information, amino acid conservation, physicochemical variation, residue mobility, and thermodynamic stability) indicates that this missense variant is expected to disrupt PMS2 protein function with a positive predictive value of 80%. RNA analysis performed to evaluate the impact of this missense change on mRNA splicing indicates it does not significantly alter splicing (internal data). In summary, the available evidence is currently insufficient to determine the role of this variant in disease. Therefore, it has been classified as a Variant of Uncertain Significance.

NM_000535.7(PMS2):c.769T>A (p.Leu257Met)

Gene: PMS2 (PMS1 homolog 2, mismatch repair system component; minus strand). Cytogenetic location: 7p22.1.
Variant type: single nucleotide variant.
Coding change: c.769T>A on transcript NM_000535.7 (MANE Select); coding-DNA position 769, T replaced by A.
Protein change: p.Leu257Met; replaces leucine 257 with methionine.
Molecular consequence: missense variant. On other transcripts: 5 prime UTR variant (2), non-coding transcript variant (1), intron variant (3).
Genome position (GRCh38, 1-based): chr7:5,997,360, A>T on the plus strand (T>A on the coding strand, the complement: PMS2 is on the minus strand). VCF-style: chr7-5997360-A-T. GRCh37 (hg19) VCF-style: chr7-6036991-A-T.
Other names: c.364T>A, p.Leu122Met (NM_001322003.2, NM_001322004.2, NM_001322005.2 and 19 more transcripts); c.769T>A, p.Leu257Met (NM_001322006.2, NM_001322014.2, NM_001406870.1 and 3 more transcripts); c.451T>A, p.Leu151Met (NM_001322007.2, NM_001322008.2, NM_001406876.1 and 4 more transcripts); c.-165T>A (NM_001322011.2, NM_001322012.2); c.196T>A, p.Leu66Met (NM_001322013.2, NM_001406909.1); c.460T>A, p.Leu154Met (NM_001322015.2, NM_001406875.1, NM_001406877.1 and 6 more transcripts); c.955T>A, p.Leu319Met (NM_001406866.1); c.793T>A, p.Leu265Met (NM_001406868.1); and 7 more; short protein forms L154M, L221M, L265M, L86M, L122M, L151M, L66M, L145M.
Identifiers: ClinVar variation 4741899 (VCV004741899.1).
Genomic context (GRCh38, chr7:5,997,360, plus strand): 5'-AGTTCTCTTGCCAGCAATCTACTTACTAAAAAAGATTATGCAGAGCATCGGAACAGCTCA[A>T]ACCGTACTCTTCACACACGGAGTCACTAGGGGGCAGCTGAACAAAAGGAATGAGGCTTTG-3'
Protein context (NP_000526.2, residues 247-267): PSDSVCEEYG[Leu257Met]SCSDALHNLF